The following is an entry in ClinVar:

ClinVar aggregate classification (germline): Uncertain significance (1 of 4 stars; one submission).

Conditions:
Werner syndrome (WRN). Identifiers: Orphanet 902, MedGen C0043119, MONDO:0010196, OMIM 277700.

Allele frequency attached by ClinVar (database versions not stated): gnomAD exomes 0.00001; TOPMed 0.00001; ExAC 0.00002.
gnomAD v4.1: 1 of 1,614,060 alleles (0.000062%); highest among the groups gnomAD compares: East Asian, 0.0022%; no homozygotes.

Submission:

Labcorp Genetics (formerly Invitae), Labcorp
Classification: Uncertain significance for Werner syndrome. Last evaluated: 2024-07-19. Review status: criteria provided, single submitter. Criteria: Invitae Variant Classification Sherloc (09022015). Collection method: clinical testing. Allele origin: germline.
Comment: This sequence change replaces aspartic acid, which is acidic and polar, with valine, which is neutral and non-polar, at codon 731 of the WRN protein (p.Asp731Val). This variant is present in population databases (rs747317429, gnomAD 0.02%). This variant has not been reported in the literature in individuals affected with WRN-related conditions. ClinVar contains an entry for this variant (Variation ID: 528168). An algorithm developed to predict the effect of missense changes on protein structure and function (PolyPhen-2) suggests that this variant is likely to be disruptive. In summary, the available evidence is currently insufficient to determine the role of this variant in disease. Therefore, it has been classified as a Variant of Uncertain Significance.

NM_000553.6(WRN):c.2192A>T (p.Asp731Val)

Gene: WRN (WRN RecQ like helicase; plus strand). Cytogenetic location: 8p12.
Variant type: single nucleotide variant.
Coding change: c.2192A>T on transcript NM_000553.6 (MANE Select); coding-DNA position 2192, A replaced by T.
Protein change: p.Asp731Val; replaces aspartic acid 731 with valine.
Molecular consequence: missense variant.
Genome position (GRCh38, 1-based): chr8:31,111,718, A>T. VCF-style: chr8-31111718-A-T. GRCh37 (hg19) VCF-style: chr8-30969234-A-T.
Other names: short protein forms D731V.
Identifiers: ClinVar variation 528168 (VCV000528168.4), dbSNP rs747317429, ClinGen allele CA4704666.